The following is an entry in ClinVar:

NM_020810.3(TRMT5):c.1295G>A (p.Arg432Gln)

Gene: TRMT5 (tRNA methyltransferase 5; minus strand). Cytogenetic location: 14q23.1.
Variant type: single nucleotide variant.
Coding change: c.1295G>A on transcript NM_020810.3 (MANE Select); coding-DNA position 1295, G replaced by A.
Protein change: p.Arg432Gln; replaces arginine 432 with glutamine.
Molecular consequence: missense variant.
Genome position (GRCh38, 1-based): chr14:60,975,624, C>T on the plus strand (G>A on the coding strand, the complement: TRMT5 is on the minus strand). VCF-style: chr14-60975624-C-T. GRCh37 (hg19) VCF-style: chr14-61442342-C-T.
Other names: c.1379G>A, p.Arg460Gln (NM_001350253.1); c.1376G>A, p.Arg459Gln (NM_001350254.1); short protein forms R432Q, R459Q, R460Q.
Identifiers: ClinVar variation 2192566 (VCV002192566.4), dbSNP rs1329310821, ClinGen allele CA389918986.

ClinVar aggregate classification (germline): Uncertain significance (1 of 4 stars; one submission).

Allele frequency attached by ClinVar (database versions not stated): TOPMed below 0.00001.
gnomAD v4.1: 5 of 1,614,138 alleles (0.00031%); highest among the groups gnomAD compares: South Asian, 0.0011%; no homozygotes.

Submission:

Labcorp Genetics (formerly Invitae), Labcorp
Classification: Uncertain significance. Last evaluated: 2022-03-14. Review status: criteria provided, single submitter. Criteria: Invitae Variant Classification Sherloc (09022015). Collection method: clinical testing. Allele origin: germline.
Comment: In summary, the available evidence is currently insufficient to determine the role of this variant in disease. Therefore, it has been classified as a Variant of Uncertain Significance. Algorithms developed to predict the effect of missense changes on protein structure and function output the following: SIFT: "Tolerated"; PolyPhen-2: "Benign"; Align-GVGD: "Class C0". The glutamine amino acid residue is found in multiple mammalian species, which suggests that this missense change does not adversely affect protein function. This variant has not been reported in the literature in individuals affected with TRMT5-related conditions. This variant is present in population databases (no rsID available, gnomAD 0.0009%). This sequence change replaces arginine, which is basic and polar, with glutamine, which is neutral and polar, at codon 432 of the TRMT5 protein (p.Arg432Gln).